The following is an entry in ClinVar:

ClinVar aggregate classification (germline): Uncertain significance. Review status: criteria provided, multiple submitters, no conflicts (2 of 4 stars). 2 submissions from 2 submitters: Uncertain significance (2). Last evaluated 2025-05-25.

Conditions:
Neurofibromatosis, type 1 (NF1). Also called: Neurofibromatosis, type I; NEUROFIBROMATOSIS, TYPE I, SOMATIC; VON RECKLINGHAUSEN DISEASE; Peripheral type neurofibromatosis. Identifiers: Orphanet 636, MedGen C0027831, MONDO:0018975, OMIM 162200. Disease mechanism: loss of function.

Submissions (2):

GeneDx
Classification: Uncertain significance. Last evaluated: 2025-05-25. Review status: criteria provided, single submitter. Criteria: GeneDx Variant Classification Process June 2021. Collection method: clinical testing. Allele origin: germline. Affected: yes.
Comment: Not observed at significant frequency in large population cohorts (gnomAD); In silico analysis supports that this missense variant has a deleterious effect on protein structure/function; Has not been previously published as pathogenic or benign to our knowledge

Labcorp Genetics (formerly Invitae), Labcorp
Classification: Uncertain significance for Neurofibromatosis, type 1. Last evaluated: 2023-03-08. Review status: criteria provided, single submitter. Criteria: Invitae Variant Classification Sherloc (09022015). Collection method: clinical testing. Allele origin: germline.
Comment: This sequence change replaces valine, which is neutral and non-polar, with glycine, which is neutral and non-polar, at codon 2025 of the NF1 protein (p.Val2025Gly). This variant is not present in population databases (gnomAD no frequency). In summary, the available evidence is currently insufficient to determine the role of this variant in disease. Therefore, it has been classified as a Variant of Uncertain Significance. This variant has not been reported in the literature in individuals affected with NF1-related conditions. Advanced modeling of protein sequence and biophysical properties (such as structural, functional, and spatial information, amino acid conservation, physicochemical variation, residue mobility, and thermodynamic stability) performed at Invitae indicates that this missense variant is expected to disrupt NF1 protein function.

NM_001042492.3(NF1):c.6137T>G (p.Val2046Gly)

Gene: NF1 (neurofibromin 1; plus strand). Cytogenetic location: 17q11.2.
Variant type: single nucleotide variant.
Coding change: c.6137T>G on transcript NM_001042492.3 (MANE Select); coding-DNA position 6137, T replaced by G.
Protein change: p.Val2046Gly; replaces valine 2046 with glycine.
Molecular consequence: missense variant.
Genome position (GRCh38, 1-based): chr17:31,336,463, T>G. VCF-style: chr17-31336463-T-G. GRCh37 (hg19) VCF-style: chr17-29663481-T-G.
Other names: c.6074T>G, p.Val2025Gly (NM_000267.4); short protein forms V2025G, V2046G.
Identifiers: ClinVar variation 3018056 (VCV003018056.4), dbSNP rs2151553583, ClinGen allele CA399011541.